The following is an entry in ClinVar:

ClinVar aggregate classification (germline): Benign/Likely benign. Review status: criteria provided, multiple submitters, no conflicts (2 of 4 stars). 3 submissions from 3 submitters: Benign (2); Likely benign (1). Last evaluated 2026-01-06.

Conditions:
TULP3-related condition.

Allele frequency attached by ClinVar (database versions not stated): gnomAD exomes 0.00117 and 0.00260; ExAC 0.00429; 1000 Genomes Project 0.01138; gnomAD 0.01172 and 0.01275; 1000 Genomes Project 30x 0.01218; TOPMed 0.01382.
gnomAD v4.1: 3,485 of 1,551,648 alleles (0.22%); highest among the groups gnomAD compares: African/African-American, 4.1%; 63 homozygotes.

Submissions (3):

PreventionGenetics, part of Exact Sciences
Classification: Likely benign for TULP3-related condition. Last evaluated: 2026-01-06. Review status: criteria provided, single submitter. Criteria: ACMG Guidelines, 2015. Collection method: clinical testing. Allele origin: germline.
Comment: This variant is classified as likely benign based on ACMG/AMP sequence variant interpretation guidelines (Richards et al. 2015 PMID: 25741868, with internal and published modifications).

Labcorp Genetics (formerly Invitae), Labcorp
Classification: Benign. Last evaluated: 2019-12-31. Review status: criteria provided, single submitter. Criteria: Invitae Variant Classification Sherloc (09022015). Collection method: clinical testing. Allele origin: germline.

Breakthrough Genomics
Classification: Benign. Review status: criteria provided, single submitter. Criteria: ACMG Guidelines, 2015. Collection method: not provided. Allele origin: germline. Inheritance: Autosomal recessive inheritance. Affected: yes.

NM_003324.5(TULP3):c.*1187G>T

Gene: TULP3 (TUB like protein 3; plus strand). Cytogenetic location: 12p13.33.
Variant type: single nucleotide variant.
Coding change: c.*1187G>T on transcript NM_003324.5 (MANE Select); 1187 bases downstream of the stop codon, G replaced by T.
Molecular consequence: 3 prime UTR variant. On other transcripts: nonsense (1).
Genome position (GRCh38, 1-based): chr12:2,940,631, G>T. VCF-style: chr12-2940631-G-T. GRCh37 (hg19) VCF-style: chr12-3049797-G-T.
Other names: c.1411G>T, p.Gly471Ter (NM_001160408.2); short protein forms G471*.
Identifiers: ClinVar variation 784227 (VCV000784227.6), dbSNP rs141095225, ClinGen allele CA6392940.